The following is an entry in ClinVar:

ClinVar aggregate classification (germline): Benign/Likely benign. Review status: criteria provided, multiple submitters, no conflicts (2 of 4 stars). 4 submissions from 4 submitters: Benign (3); Likely benign (1). Last evaluated 2025-12-20.

Allele frequency attached by ClinVar (database versions not stated): gnomAD exomes 0.00183; ExAC 0.00202; 1000 Genomes Project 0.00539; 1000 Genomes Project 30x 0.00593; gnomAD 0.00699 and 0.00757; TOPMed 0.00801; ESP Exome Variant Server 0.00900.
gnomAD v4.1: 2,326 of 1,614,150 alleles (0.14%); highest among the groups gnomAD compares: African/African-American, 2.5%; 25 homozygotes.

Submissions (4):

Labcorp Genetics (formerly Invitae), Labcorp
Classification: Benign. Last evaluated: 2025-12-20. Review status: criteria provided, single submitter. Criteria: Invitae Variant Classification Sherloc (09022015). Collection method: clinical testing. Allele origin: germline.

ARUP Laboratories, Molecular Genetics and Genomics, ARUP Laboratories
Classification: Benign. Last evaluated: 2025-05-12. Review status: criteria provided, single submitter. Criteria: ARUP Molecular Germline Variant Investigation Process 2024. Collection method: clinical testing. Allele origin: germline.

Mayo Clinic Laboratories, Mayo Clinic
Classification: Benign. Last evaluated: 2022-05-17. Review status: criteria provided, single submitter. Criteria: ACMG Guidelines, 2015. Collection method: clinical testing. Allele origin: germline. Observed: 31 variant alleles.
Comment: BS1, BS2, BP4

Breakthrough Genomics
Classification: Likely benign. Review status: criteria provided, single submitter. Criteria: ACMG Guidelines, 2015. Collection method: not provided. Allele origin: germline. Inheritance: Autosomal dominant inheritance. Affected: yes.

NM_001355436.2(SPTB):c.1765G>A (p.Ala589Thr)

Gene: SPTB (spectrin beta, erythrocytic; minus strand). Cytogenetic location: 14q23.3.
Variant type: single nucleotide variant.
Coding change: c.1765G>A on transcript NM_001355436.2 (MANE Select); coding-DNA position 1765, G replaced by A.
Protein change: p.Ala589Thr; replaces alanine 589 with threonine.
Molecular consequence: missense variant.
Genome position (GRCh38, 1-based): chr14:64,794,497, C>T on the plus strand (G>A on the coding strand, the complement: SPTB is on the minus strand). VCF-style: chr14-64794497-C-T. GRCh37 (hg19) VCF-style: chr14-65261215-C-T.
Other names: p.Ala589Thr; c.1765G>A, p.Ala589Thr (NM_001024858.4, NM_001355437.2); short protein forms A589T.
Identifiers: ClinVar variation 313759 (VCV000313759.14), dbSNP rs61459051, ClinGen allele CA7231024.